The following is an entry in ClinVar:

NM_018979.4(WNK1):c.4045A>G (p.Thr1349Ala)

Gene: WNK1 (WNK lysine deficient protein kinase 1; plus strand). Cytogenetic location: 12p13.33.
Variant type: single nucleotide variant.
Coding change: c.4045A>G on transcript NM_018979.4 (MANE Select); coding-DNA position 4045, A replaced by G.
Protein change: p.Thr1349Ala; replaces threonine 1349 with alanine.
Molecular consequence: missense variant.
Genome position (GRCh38, 1-based): chr12:884,849, A>G. VCF-style: chr12-884849-A-G. GRCh37 (hg19) VCF-style: chr12-994015-A-G.
Other names: c.4825A>G, p.Thr1609Ala (NM_001184985.2); c.3304A>G, p.Thr1102Ala (NM_014823.3); c.4801A>G, p.Thr1601Ala (NM_213655.5); short protein forms T1349A, T1102A, T1601A, T1609A.
Identifiers: ClinVar variation 2926344 (VCV002926344.3), dbSNP rs2549040200, ClinGen allele CA383330451.

ClinVar aggregate classification (germline): Uncertain significance (1 of 4 stars; one submission).

Conditions:
Neuropathy, hereditary sensory and autonomic, type 2A (HSAN2A). Also called: HSAN IIA; WNK1-Related HSAN2 (HSAN2A); ACROOSTEOLYSIS, GIACCAI TYPE; ACROOSTEOLYSIS, NEUROGENIC; MORVAN DISEASE; NEUROPATHY, CONGENITAL SENSORY. Identifiers: Orphanet 970, MedGen C2752089, MONDO:0024309, OMIM 201300.
Pseudohypoaldosteronism type 2C (PHA2C). Also called: Pseudohypoaldosteronism Type IIC. Identifiers: Orphanet 757, Orphanet 88940, MedGen C1840391, MONDO:0013778, OMIM 614492.

Allele frequency attached by ClinVar (database versions not stated): gnomAD exomes below 0.00001.
gnomAD v4.1: 1 of 1,614,098 alleles (0.000062%); highest among the groups gnomAD compares: Non-Finnish European, 0.000085%; no homozygotes.

Submission:

Labcorp Genetics (formerly Invitae), Labcorp
Classification: Uncertain significance for Neuropathy, hereditary sensory and autonomic, type 2A; Pseudohypoaldosteronism type 2C. Last evaluated: 2023-01-31. Review status: criteria provided, single submitter. Criteria: Invitae Variant Classification Sherloc (09022015). Collection method: clinical testing. Allele origin: germline.
Comment: In summary, the available evidence is currently insufficient to determine the role of this variant in disease. Therefore, it has been classified as a Variant of Uncertain Significance. Advanced modeling of protein sequence and biophysical properties (such as structural, functional, and spatial information, amino acid conservation, physicochemical variation, residue mobility, and thermodynamic stability) performed at Invitae indicates that this missense variant is not expected to disrupt WNK1 protein function. This variant has not been reported in the literature in individuals affected with WNK1-related conditions. This variant is not present in population databases (gnomAD no frequency). This sequence change replaces threonine, which is neutral and polar, with alanine, which is neutral and non-polar, at codon 1601 of the WNK1 protein (p.Thr1601Ala).